The following is an entry in ClinVar:

NM_001080432.3(FTO):c.721G>A (p.Ala241Thr)

Gene: FTO (FTO alpha-ketoglutarate dependent dioxygenase; plus strand). Cytogenetic location: 16q12.2.
Variant type: single nucleotide variant.
Coding change: c.721G>A on transcript NM_001080432.3 (MANE Select); coding-DNA position 721, G replaced by A.
Protein change: p.Ala241Thr; replaces alanine 241 with threonine.
Molecular consequence: missense variant.
Genome position (GRCh38, 1-based): chr16:53,826,461, G>A. VCF-style: chr16-53826461-G-A. GRCh37 (hg19) VCF-style: chr16-53860373-G-A.
Other names: c.721G>A, p.Ala241Thr (NM_001363891.2, NM_001363894.2, NM_001363896.2 and 6 more transcripts); c.643G>A, p.Ala215Thr (NM_001363897.2); c.208G>A, p.Ala70Thr (NM_001363905.2); short protein forms A70T, A215T, A241T.
Identifiers: ClinVar variation 884925 (VCV000884925.4), dbSNP rs138816516, ClinGen allele CA8058422.

ClinVar aggregate classification (germline): Uncertain significance (1 of 4 stars; one submission).

Conditions:
Lethal polymalformative syndrome, Boissel type. Also called: GROWTH RETARDATION, DEVELOPMENTAL DELAY, AND FACIAL DYSMORPHISM. Identifiers: Orphanet 210144, MedGen C2752001, MONDO:0013050, OMIM 612938.

Allele frequency attached by ClinVar (database versions not stated): ExAC 0.00007; gnomAD exomes 0.00007 and 0.00034; TOPMed 0.00012; gnomAD 0.00016 and 0.00017; ESP Exome Variant Server 0.00023.

Submission:

Illumina Laboratory Services, Illumina
Classification: Uncertain significance for Lethal polymalformative syndrome, Boissel type. Last evaluated: 2017-04-28. Review status: criteria provided, single submitter. Criteria: ICSL Variant Classification Criteria 13 December 2019. Collection method: clinical testing. Allele origin: germline.
Comment: This variant was observed as part of a predisposition screen in an ostensibly healthy population. A literature search was performed for the gene, cDNA change, and amino acid change (where applicable). Publications were found based on this search. However, the evidence from the literature, in combination with allele frequency data from public databases where available, was not sufficient to rule this variant in or out of causing disease. Therefore, this variant is classified as a variant of unknown significance.

Literature cited by the submitters: PubMed 19833892.